The following is an entry in ClinVar:

ClinVar aggregate classification (germline): Pathogenic. Review status: criteria provided, multiple submitters, no conflicts (2 of 4 stars). 6 submissions from 6 submitters: Pathogenic (5). 1 of the submissions does not count toward it. Last evaluated 2025-02-20.

Conditions:
DNAH11-related disorders.
Primary ciliary dyskinesia. Also called: Ciliary dyskinesia. Identifiers: Orphanet 244, MedGen C0008780, MONDO:0016575, HP:0012265.
Primary ciliary dyskinesia 7. Also called: CILIARY DYSKINESIA, PRIMARY, 7, WITH OR WITHOUT SITUS INVERSUS. Identifiers: Orphanet 244, MedGen C2678473, MONDO:0012748, OMIM 611884.

Allele frequency attached by ClinVar (database versions not stated): gnomAD 0.00003; gnomAD exomes 0.00003 and 0.00006; ExAC 0.00009.
gnomAD v4.1: 43 of 1,609,232 alleles (0.0027%); highest among the groups gnomAD compares: Non-Finnish European, 0.0011%; no homozygotes.

Submissions (6):

Broad Center for Mendelian Genomics, Broad Institute of MIT and Harvard
Classification: Pathogenic for Primary ciliary dyskinesia 7. Last evaluated: 2025-02-20. Review status: criteria provided, single submitter. Criteria: ACMG Guidelines, 2015. Collection method: curation. Allele origin: germline. Inheritance: Autosomal recessive inheritance.
Comment: The p.Tyr4121Ter variant in DNAH11 has been reported in 1 affected individual with primary ciliary dyskinesia (PMID: 18022865), segregated with disease in 5 affected relatives from 1 family (PMID: 18022865), and has been identified in 0.05% (29/63996) of European (Finnish) chromosomes by the Genome Aggregation Database (gnomAD; dbSNP rs121908855). Although this variant has been seen in the general population in a heterozygous state, its frequency is not high enough to rule out a pathogenic role. This variant has been reported in ClinVar (Variation ID: 6475) and has been interpreted as pathogenic by Ambry Genetics and OMIM. This nonsense variant leads to a premature termination codon at position 4121, which is predicted to lead to a truncated or absent protein. Loss of function of the DNAH11 gene is an established disease mechanism in autosomal recessive primary ciliary dyskinesia. In summary, this variant meets criteria to be classified as pathogenic for autosomal recessive primary ciliary dyskinesia ACMG/AMP Criteria applied: PVS1, PP1_strong (Richards 2015).

Blueprint Genetics
Classification: Pathogenic for DNAH11-related disorders. Last evaluated: 2024-07-02. Review status: criteria provided, single submitter. Criteria: ACMG Guidelines, 2015. Collection method: clinical testing. Allele origin: germline. Affected: yes. Observed: 5 variant alleles.

Laboratory for Molecular Medicine, Mass General Brigham Personalized Medicine
Classification: Pathogenic for Primary ciliary dyskinesia. Last evaluated: 2024-02-16. Review status: criteria provided, single submitter. Criteria: ACMG Guidelines, 2015. Collection method: clinical testing. Allele origin: germline. Inheritance: Autosomal recessive inheritance.
Comment: The p.Tyr4121X variant in DNAH11 has been reported in the compound heterozygous state in 1 individual with primary ciliary dyskinesia and segregated with disease in 5 affected siblings (Schwabe 2008 PMID: 18022865). It has been identified in 0.045% (29/63996) of European (Finnish) chromosomes by gnomAD (v4.0.0). However, this frequency is low enough to be consistent with the carrier frequency. This variant has also been reported in ClinVar (Variation ID 6475). This nonsense variant leads to a premature termination codon at position 4121, which is predicted to lead to a truncated or absent protein. Biallelic loss-of-function of the DNAH11 gene is an established disease mechanism in autosomal recessive primary ciliary dyskinesia 7. In summary, this variant meets criteria to be classified as pathogenic for autosomal recessive primary ciliary dyskinesia 7. ACMG/AMP Criteria applied: PVS1, PP1_Strong, PM3, PM2_Supporting.

Labcorp Genetics (formerly Invitae), Labcorp
Classification: Pathogenic for Primary ciliary dyskinesia. Last evaluated: 2023-09-27. Review status: criteria provided, single submitter. Criteria: Invitae Variant Classification Sherloc (09022015). Collection method: clinical testing. Allele origin: germline.
Comment: This premature translational stop signal has been observed in individual(s) with primary ciliary dyskinesia (PMID: 18022865). This variant is also known as p.Y4128X. ClinVar contains an entry for this variant (Variation ID: 6475). For these reasons, this variant has been classified as Pathogenic. This variant is present in population databases (rs121908855, gnomAD 0.05%). This sequence change creates a premature translational stop signal (p.Tyr4121*) in the DNAH11 gene. It is expected to result in an absent or disrupted protein product. Loss-of-function variants in DNAH11 are known to be pathogenic (PMID: 18022865, 20513915, 22184204).

Ambry Genetics
Classification: Pathogenic for Primary ciliary dyskinesia. Last evaluated: 2021-06-21. Review status: criteria provided, single submitter. Criteria: Ambry Variant Classification Scheme 2023. Collection method: clinical testing. Allele origin: germline.
Comment: The p.Y4121* variant (also known as c.12363C>G), located in coding exon 75 of the DNAH11 gene, results from a C to G substitution at nucleotide position 12363. This changes the amino acid from a tyrosine to a stop codon within coding exon 75. In one family, this variant has been detected in trans with another variant in DNAH11, and both segregate with primary ciliary dyskinesia (PCD) in affected family members (Schwabe GC et al. Hum Mutat, 2008 Feb;29:289-98). In addition to the clinical data presented in the literature, this alteration is expected to result in loss of function by premature protein truncation or nonsense-mediated mRNA decay. As such, this alteration is interpreted as a disease-causing mutation.

OMIM
Classification: Pathogenic for CILIARY DYSKINESIA, PRIMARY, 7, WITH OR WITHOUT SITUS INVERSUS. Last evaluated: 2008-02-01. Review status: no assertion criteria provided. Collection method: literature only. Allele origin: germline. Not counted in ClinVar's aggregate classification.

Literature cited by the submitters: PubMed 18022865 (cited by 4 submitters); PubMed 20513915 (cited by Labcorp Genetics (formerly Invitae), Labcorp); PubMed 22184204 (cited by Labcorp Genetics (formerly Invitae), Labcorp).

NM_001277115.2(DNAH11):c.12363C>G (p.Tyr4121Ter)

Gene: DNAH11 (dynein axonemal heavy chain 11; plus strand). Cytogenetic location: 7p15.3.
Variant type: single nucleotide variant.
Coding change: c.12363C>G on transcript NM_001277115.2 (MANE Select); coding-DNA position 12363, C replaced by G.
Protein change: p.Tyr4121Ter; replaces tyrosine 4121 with a stop codon.
Molecular consequence: nonsense.
Genome position (GRCh38, 1-based): chr7:21,880,869, C>G. VCF-style: chr7-21880869-C-G. GRCh37 (hg19) VCF-style: chr7-21920487-C-G.
Other names: Y4128*; NM_001277115.2(DNAH11):c.12363C>G; p.Tyr4121Ter; c.12363C>G (NM_001277115.1); short protein forms Y4121*.
Identifiers: ClinVar variation 6475 (VCV000006475.11), dbSNP rs121908855, ClinGen allele CA340594.
Genomic context (GRCh38, chr7:21,880,869, plus strand): 5'-CTGGAGCCGAAGCTATCCTTTTAATCCTGGAGACCTCACCATTTGTGCCAGTGTCCTCTA[C>G]AACTACTTAGAGGCAAACTCTAAAGTAAGTGCTAGTGGTCAAATAACCTCTTCCAAGGAG-3'